The following is an entry in ClinVar:

NM_144596.4(TTC8):c.1469A>G (p.Lys490Arg)

Gene: TTC8 (tetratricopeptide repeat domain 8; plus strand). Cytogenetic location: 14q31.3.
Variant type: single nucleotide variant.
Coding change: c.1469A>G on transcript NM_144596.4 (MANE Select); coding-DNA position 1469, A replaced by G.
Protein change: p.Lys490Arg; replaces lysine 490 with arginine.
Molecular consequence: missense variant. On other transcripts: non-coding transcript variant (1).
Genome position (GRCh38, 1-based): chr14:88,877,331, A>G. VCF-style: chr14-88877331-A-G. GRCh37 (hg19) VCF-style: chr14-89343675-A-G.
Other names: c.1517A>G, p.Lys506Arg (NM_001288781.1); c.875A>G, p.Lys292Arg (NM_001288782.1); c.752A>G, p.Lys251Arg (NM_001288783.1); c.1355A>G, p.Lys452Arg (NM_001366535.2); c.1265A>G, p.Lys422Arg (NM_001366536.2); c.1439A>G, p.Lys480Arg (NM_198309.3); c.1349A>G, p.Lys450Arg (NM_198310.3); c.1439A>G (NM_198309.2); short protein forms K251R, K292R, K422R, K450R, K452R, K480R, K490R, K506R.
Identifiers: ClinVar variation 3358511 (VCV003358511.2).
Genomic context (GRCh38, chr14:88,877,331, plus strand): 5'-TCTTATTCTTGTATTTTTTGCAGATTGGAGATCTGCAGAGAAGCTATGTTGCTGCGCAGA[A>G]GTCTGAAGCAGCATTTCCAGACCATGTGGACACACAACATTTAATTAAACAATTAAGGCA-3'
Protein context (NP_653197.2, residues 480-500): DLQRSYVAAQ[Lys490Arg]SEAAFPDHVD

ClinVar aggregate classification (germline): Uncertain significance. Review status: criteria provided, single submitter (1 of 4 stars). 2 submissions from 2 submitters: Uncertain significance (1). 1 of the submissions does not count toward it. Last evaluated 2025-04-25.

Conditions:
TTC8-related disorder. Also called: TTC8-related condition.
Inborn genetic diseases. Identifiers: MedGen C0950123, MeSH D030342.

gnomAD v4.1: 6 of 1,613,688 alleles (0.00037%); highest among the groups gnomAD compares: African/African-American, 0.008%; no homozygotes.

Submissions (2):

Ambry Genetics
Classification: Uncertain significance for Inborn genetic diseases. Last evaluated: 2025-04-25. Review status: criteria provided, single submitter. Criteria: Ambry Variant Classification Scheme 2023. Collection method: clinical testing. Allele origin: germline.

PreventionGenetics, part of Exact Sciences
Classification: Uncertain significance for TTC8-related condition. Last evaluated: 2024-04-26. Review status: no assertion criteria provided. Collection method: clinical testing. Allele origin: germline. Not counted in ClinVar's aggregate classification.
Comment: The TTC8 c.1469A>G variant is predicted to result in the amino acid substitution p.Lys490Arg. To our knowledge, this variant has not been reported in the literature. This variant is reported in 0.012% of alleles in individuals of African descent in gnomAD. At this time, the clinical significance of this variant is uncertain due to the absence of conclusive functional and genetic evidence.